The following is an entry in ClinVar:

NM_000138.5(FBN1):c.6524C>T (p.Pro2175Leu)

Gene: FBN1 (fibrillin 1; minus strand). Cytogenetic location: 15q21.1.
Variant type: single nucleotide variant.
Coding change: c.6524C>T on transcript NM_000138.5 (MANE Select); coding-DNA position 6524, C replaced by T.
Protein change: p.Pro2175Leu; replaces proline 2175 with leucine.
Molecular consequence: missense variant.
Genome position (GRCh38, 1-based): chr15:48,434,686, G>A on the plus strand (C>T on the coding strand, the complement: FBN1 is on the minus strand). VCF-style: chr15-48434686-G-A. GRCh37 (hg19) VCF-style: chr15-48726883-G-A.
Other names: c.6524C>T (NM_000138.4); short protein forms P2175L.
Identifiers: ClinVar variation 1415644 (VCV001415644.7), dbSNP rs2141237135, ClinGen allele CA392335166.
Genomic context (GRCh38, chr15:48,434,686, plus strand): 5'-CCCTCCTCGCAGGTGCATTCAAAACCTCCAATCACATTCTTGCAGGTTCCATTTCCACAA[G>A]GATTGCCAACAGAACATTCATCAGTATCTGCAAGAAACCAGGAATGTGTCCAAAACATGA-3'
Protein context (NP_000129.3, residues 2165-2185): VDTDECSVGN[Pro2175Leu]CGNGTCKNVI

ClinVar aggregate classification (germline): Uncertain significance. Review status: criteria provided, multiple submitters, no conflicts (2 of 4 stars). 3 submissions from 3 submitters: Uncertain significance (3). Last evaluated 2025-04-15.

Conditions:
Marfan syndrome (MFS). Also called: MARFAN SYNDROME, TYPE I; Marfan syndrome type 1; Marfan's syndrome; Marfan syndrome, classic; FBN1-Related Marfan Syndrome. Identifiers: Orphanet 284963, Orphanet 558, MedGen C0024796, MONDO:0007947, OMIM 154700.
Familial thoracic aortic aneurysm and aortic dissection (TAAD). Also called: Thoracic aortic aneurysms and dissections. Identifiers: Orphanet 91387, MedGen C4707243, MONDO:0019625.

Allele frequency attached by ClinVar (database versions not stated): gnomAD exomes below 0.00001.
gnomAD v4.1: 1 of 1,613,722 alleles (0.000062%); highest among the groups gnomAD compares: Non-Finnish European, 0.000085%; no homozygotes.

Submissions (3):

Labcorp Genetics (formerly Invitae), Labcorp
Classification: Uncertain significance for Marfan syndrome; Familial thoracic aortic aneurysm and aortic dissection. Last evaluated: 2025-04-15. Review status: criteria provided, single submitter. Criteria: Invitae Variant Classification Sherloc (09022015). Collection method: clinical testing. Allele origin: germline.
Comment: This sequence change replaces proline, which is neutral and non-polar, with leucine, which is neutral and non-polar, at codon 2175 of the FBN1 protein (p.Pro2175Leu). This variant is not present in population databases (gnomAD no frequency). This variant has not been reported in the literature in individuals affected with FBN1-related conditions. ClinVar contains an entry for this variant (Variation ID: 1415644). Invitae Evidence Modeling of protein sequence and biophysical properties (such as structural, functional, and spatial information, amino acid conservation, physicochemical variation, residue mobility, and thermodynamic stability) indicates that this missense variant is expected to disrupt FBN1 protein function with a positive predictive value of 95%. In summary, the available evidence is currently insufficient to determine the role of this variant in disease. Therefore, it has been classified as a Variant of Uncertain Significance.

Blueprint Genetics
Classification: Uncertain significance. Last evaluated: 2024-04-24. Review status: criteria provided, single submitter. Criteria: ACMG Guidelines, 2015. Collection method: clinical testing. Allele origin: germline.

GeneDx
Classification: Uncertain significance. Last evaluated: 2022-12-05. Review status: criteria provided, single submitter. Criteria: GeneDx Variant Classification Process June 2021. Collection method: clinical testing. Allele origin: germline. Affected: yes.
Comment: Not observed at significant frequency in large population cohorts (gnomAD); In silico analysis supports that this missense variant has a deleterious effect on protein structure/function; Has not been previously published as pathogenic or benign to our knowledge; Although located in a calcium-binding EGF-like domain of the FBN1 gene, it does not affect a cysteine residue within this domain; cysteine substitutions in the calcium-binding EGF-like domains represent the majority of pathogenic missense changes associated with FBN1-related disorders (Collod-Beroud et al., 2003)